The following is an entry in ClinVar:

NM_001330260.2(SCN8A):c.615-34C>T

Gene: SCN8A (sodium voltage-gated channel alpha subunit 8; plus strand). Cytogenetic location: 12q13.13.
Variant type: single nucleotide variant.
Coding change: c.615-34C>T on transcript NM_001330260.2 (MANE Select); 34 bases into the intron before coding-DNA position 615, C replaced by T.
Molecular consequence: intron variant.
Genome position (GRCh38, 1-based): chr12:51,688,971, C>T. VCF-style: chr12-51688971-C-T. GRCh37 (hg19) VCF-style: chr12-52082755-C-T.
Other names: c.706+122C>T (NM_014191.4, NM_001177984.3); c.615-34C>T (NM_001369788.1).
Identifiers: ClinVar variation 1691584 (VCV001691584.3), dbSNP rs576172040, ClinGen allele CA6571110.

ClinVar aggregate classification (germline): Likely benign (1 of 4 stars; one submission).

Allele frequency attached by ClinVar (database versions not stated): gnomAD exomes 0.00003 and 0.00005; ExAC 0.00006; gnomAD 0.00015 and 0.00016; 1000 Genomes Project 30x 0.00016; TOPMed 0.00018; 1000 Genomes Project 0.00020.
gnomAD v4.1: 58 of 1,593,748 alleles (0.0036%); highest among the groups gnomAD compares: Middle Eastern, 0.083%; no homozygotes.

Submission:

GeneDx
Classification: Likely benign. Last evaluated: 2021-12-08. Review status: criteria provided, single submitter. Criteria: GeneDx Variant Classification Process June 2021. Collection method: clinical testing. Allele origin: germline. Affected: yes.
Comment: See Variant Classification Assertion Criteria.